The following is an entry in ClinVar:

NM_001613.4(ACTA2):c.1069A>G (p.Met357Val)

Genes: ACTA2 (actin alpha 2, smooth muscle; minus strand), ACTA2-AS1 (ACTA2 antisense RNA 1; plus strand). Cytogenetic location: 10q23.31.
Variant type: single nucleotide variant.
Coding change: c.1069A>G on transcript NM_001613.4 (MANE Select); coding-DNA position 1069, A replaced by G.
Protein change: p.Met357Val; replaces methionine 357 with valine.
Molecular consequence: missense variant. On other transcripts: non-coding transcript variant (1).
Genome position (GRCh38, 1-based): chr10:88,935,288, T>C on the plus strand (A>G on the coding strand, the complement: ACTA2 is on the minus strand). VCF-style: chr10-88935288-T-C. GRCh37 (hg19) VCF-style: chr10-90695045-T-C.
Other names: c.1069A>G, p.Met357Val (NM_001141945.3, NM_001320855.2, NM_001406462.1 and 2 more transcripts); c.958A>G, p.Met320Val (NM_001406466.1); c.940A>G, p.Met314Val (NM_001406467.1, NM_001406468.1, NM_001406469.1); c.877A>G, p.Met293Val (NM_001406471.1); short protein forms M293V, M314V, M320V, M357V.
Identifiers: ClinVar variation 5032072 (VCV005032072.1).

ClinVar aggregate classification (germline): Uncertain significance (1 of 4 stars; one submission).

Conditions:
Familial thoracic aortic aneurysm and aortic dissection (TAAD). Also called: Thoracic aortic aneurysms and dissections. Identifiers: Orphanet 91387, MedGen C4707243, MONDO:0019625.

gnomAD v4.1: 1 of 1,613,968 alleles (0.000062%); highest among the groups gnomAD compares: Non-Finnish European, 0.000085%; no homozygotes.

Submission:

Ambry Genetics
Classification: Uncertain significance for Familial thoracic aortic aneurysm and aortic dissection. Last evaluated: 2026-08-10. Review status: criteria provided, single submitter. Criteria: Ambry Variant Classification Scheme 2023. Collection method: clinical testing. Allele origin: germline.
Comment: The p.M357V variant (also known as c.1069A>G), located in coding exon 8 of the ACTA2 gene, results from an A to G substitution at nucleotide position 1069. The methionine at codon 357 is replaced by valine, an amino acid with highly similar properties. This amino acid position is conserved. In addition, this alteration is predicted to be deleterious by in silico analysis. Based on the available evidence, the clinical significance of this variant remains unclear.